The following is an entry in ClinVar:

NM_144997.7(FLCN):c.1538+9C>T

Gene: FLCN (folliculin; minus strand). Cytogenetic location: 17p11.2.
Variant type: single nucleotide variant.
Coding change: c.1538+9C>T on transcript NM_144997.7 (MANE Select); 9 bases into the intron after coding-DNA position 1538, C replaced by T.
Molecular consequence: intron variant.
Genome position (GRCh38, 1-based): chr17:17,214,976, G>A on the plus strand (C>T on the coding strand, the complement: FLCN is on the minus strand). VCF-style: chr17-17214976-G-A. GRCh37 (hg19) VCF-style: chr17-17118290-G-A.
Other names: c.1538+9C>T (NM_001353231.2, NM_001353230.2); c.1592+9C>T (NM_001353229.2).
Identifiers: ClinVar variation 3697100 (VCV003697100.3).

ClinVar aggregate classification (germline): Likely benign. Review status: criteria provided, multiple submitters, no conflicts (2 of 4 stars). 2 submissions from 2 submitters: Likely benign (2). Last evaluated 2024-10-29.

Conditions:
Birt-Hogg-Dube syndrome. Also called: Birt Hogg Dubé syndrome. Identifiers: Orphanet 122, MedGen C0346010, MONDO:0800444.
Birt-Hogg-Dube syndrome 1 (BHD1). Also called: FIBROFOLLICULOMAS WITH TRICHODISCOMAS AND ACROCHORDONS. Identifiers: Orphanet 122, MedGen CN375946, MONDO:0800445, OMIM 135150.

gnomAD v4.1: 1 of 1,613,162 alleles (0.000062%); highest among the groups gnomAD compares: African/African-American, 0.0013%; no homozygotes.

Submissions (2):

Labcorp Genetics (formerly Invitae), Labcorp
Classification: Likely benign for Birt-Hogg-Dube syndrome. Last evaluated: 2024-10-29. Review status: criteria provided, single submitter. Criteria: Invitae Variant Classification Sherloc (09022015). Collection method: clinical testing. Allele origin: germline.

Myriad Genetics, Inc.
Classification: Likely benign for Birt-Hogg-Dube syndrome 1. Last evaluated: 2024-10-25. Review status: criteria provided, single submitter. Criteria: Myriad Autosomal Dominant, Autosomal Recessive and X-Linked Classification Criteria (2023). Collection method: clinical testing. Allele origin: unknown.
Comment: This variant is considered likely benign. This variant is intronic and is not expected to impact mRNA splicing.